The following is an entry in ClinVar:

ClinVar aggregate classification (germline): Uncertain significance (1 of 4 stars; one submission).

Allele frequency attached by ClinVar (database versions not stated): ExAC 0.00001; gnomAD 0.00001; TOPMed 0.00001.
gnomAD v4.1: 6 of 1,614,070 alleles (0.00037%); highest among the groups gnomAD compares: Middle Eastern, 0.016%; no homozygotes.

Submission:

Labcorp Genetics (formerly Invitae), Labcorp
Classification: Uncertain significance. Last evaluated: 2025-11-17. Review status: criteria provided, single submitter. Criteria: Invitae Variant Classification Sherloc (09022015). Collection method: clinical testing. Allele origin: germline.
Comment: This sequence change replaces glycine, which is neutral and non-polar, with aspartic acid, which is acidic and polar, at codon 1298 of the ARFGEF2 protein (p.Gly1298Asp). This variant is present in population databases (rs758487125, gnomAD 0.009%). This variant has not been reported in the literature in individuals affected with ARFGEF2-related conditions. ClinVar contains an entry for this variant (Variation ID: 2067356). An algorithm developed to predict the effect of missense changes on protein structure and function (PolyPhen-2) suggests that this variant is likely to be tolerated. In summary, the available evidence is currently insufficient to determine the role of this variant in disease. Therefore, it has been classified as a Variant of Uncertain Significance.

NM_006420.3(ARFGEF2):c.3893G>A (p.Gly1298Asp)

Gene: ARFGEF2 (ARF guanine nucleotide exchange factor 2; plus strand). Cytogenetic location: 20q13.13.
Variant type: single nucleotide variant.
Coding change: c.3893G>A on transcript NM_006420.3 (MANE Select); coding-DNA position 3893, G replaced by A.
Protein change: p.Gly1298Asp; replaces glycine 1298 with aspartic acid.
Molecular consequence: missense variant.
Genome position (GRCh38, 1-based): chr20:49,012,059, G>A. VCF-style: chr20-49012059-G-A. GRCh37 (hg19) VCF-style: chr20-47628596-G-A.
Other names: c.3890G>A, p.Gly1297Asp (NM_001410846.1); short protein forms G1298D, G1297D.
Identifiers: ClinVar variation 2067356 (VCV002067356.4), dbSNP rs758487125, ClinGen allele CA9899064.